The following is an entry in ClinVar:

ClinVar aggregate classification (germline): Likely benign (1 of 4 stars; one submission).

Allele frequency attached by ClinVar (database versions not stated): gnomAD exomes below 0.00001.
gnomAD v4.1: 2 of 1,613,726 alleles (0.00012%); highest among the groups gnomAD compares: South Asian, 0.0011%; no homozygotes.

Submission:

GeneDx
Classification: Likely benign. Last evaluated: 2016-01-28. Review status: criteria provided, single submitter. Criteria: GeneDx Variant Classification (06012015). Collection method: clinical testing. Allele origin: germline. Affected: yes.
Comment: This variant is considered likely benign or benign based on one or more of the following criteria: it is a conservative change, it occurs at a poorly conserved position in the protein, it is predicted to be benign by multiple in silico algorithms, and/or has population frequency not consistent with disease.

NM_012309.5(SHANK2):c.4125C>T (p.Ile1375=)

Gene: SHANK2 (SH3 and multiple ankyrin repeat domains 2; minus strand). Cytogenetic location: 11q13.3.
Variant type: single nucleotide variant.
Coding change: c.4125C>T on transcript NM_012309.5 (MANE Select); coding-DNA position 4125, C replaced by T.
Protein change: p.Ile1375=; no amino-acid change (isoleucine 1375 retained).
Molecular consequence: synonymous variant.
Genome position (GRCh38, 1-based): chr11:70,486,168, G>A on the plus strand (C>T on the coding strand, the complement: SHANK2 is on the minus strand). VCF-style: chr11-70486168-G-A. GRCh37 (hg19) VCF-style: chr11-70332273-G-A.
Other names: c.2988C>T, p.Ile996= (NM_001379226.1); c.2361C>T, p.Ile787= (NM_133266.5).
Identifiers: ClinVar variation 677691 (VCV000677691.1), dbSNP rs1218363195, ClinGen allele CA475700188.
Genomic context (GRCh38, chr11:70,486,168, plus strand): 5'-AGGGGGAGGAGGGATGCGGAATGGCAAAATCACCGCCTCTTCCATGGAGCCCACCGCGAC[G>A]ATGGTTCTGCCGGGCACGGTGGTGGGCTCGGGGGCAGCGGAGATCTGTAAAGCACCTTCG-3'
Protein context (NP_036441.2, residues 1365-1385): PEPTTVPGRT[Ile1375=]VAVGSMEEAV